The following is an entry in ClinVar:

ClinVar aggregate classification (germline): Uncertain significance (1 of 4 stars; one submission).

Conditions:
Spastic paraplegia. Identifiers: MedGen C0037772, HP:0001258.

Submission:

Labcorp Genetics (formerly Invitae), Labcorp
Classification: Uncertain significance for Spastic paraplegia. Last evaluated: 2024-08-09. Review status: criteria provided, single submitter. Criteria: Invitae Variant Classification Sherloc (09022015). Collection method: clinical testing. Allele origin: germline.
Comment: This sequence change replaces alanine, which is neutral and non-polar, with proline, which is neutral and non-polar, at codon 114 of the B4GALNT1 protein (p.Ala114Pro). This variant is not present in population databases (gnomAD no frequency). This variant has not been reported in the literature in individuals affected with B4GALNT1-related conditions. Advanced modeling of protein sequence and biophysical properties (such as structural, functional, and spatial information, amino acid conservation, physicochemical variation, residue mobility, and thermodynamic stability) performed at Invitae indicates that this missense variant is not expected to disrupt B4GALNT1 protein function with a negative predictive value of 80%. In summary, the available evidence is currently insufficient to determine the role of this variant in disease. Therefore, it has been classified as a Variant of Uncertain Significance.

NM_001478.5(B4GALNT1):c.340G>C (p.Ala114Pro)

Gene: B4GALNT1 (beta-1,4-N-acetyl-galactosaminyltransferase 1; minus strand). Cytogenetic location: 12q13.3.
Variant type: single nucleotide variant.
Coding change: c.340G>C on transcript NM_001478.5 (MANE Select); coding-DNA position 340, G replaced by C.
Protein change: p.Ala114Pro; replaces alanine 114 with proline.
Molecular consequence: missense variant. On other transcripts: 5 prime UTR variant (4), intron variant (2).
Genome position (GRCh38, 1-based): chr12:57,631,243, C>G on the plus strand (G>C on the coding strand, the complement: B4GALNT1 is on the minus strand). VCF-style: chr12-57631243-C-G. GRCh37 (hg19) VCF-style: chr12-58025026-C-G.
Other names: c.340G>C, p.Ala114Pro (NM_001276469.2, NM_001413967.1, NM_001413968.1 and 9 more transcripts); c.-648G>C (NM_001413981.1, NM_001413982.1, NM_001413983.1 and 1 more transcripts); c.219-157G>C (NM_001413978.1, NM_001276468.2); short protein forms A114P.
Identifiers: ClinVar variation 3661865 (VCV003661865.2).